The following is an entry in ClinVar:

NM_133259.4(LRPPRC):c.3289A>G (p.Ile1097Val)

Gene: LRPPRC (leucine rich pentatricopeptide repeat containing; minus strand). Cytogenetic location: 2p21.
Variant type: single nucleotide variant.
Coding change: c.3289A>G on transcript NM_133259.4 (MANE Select); coding-DNA position 3289, A replaced by G.
Protein change: p.Ile1097Val; replaces isoleucine 1097 with valine.
Molecular consequence: missense variant.
Genome position (GRCh38, 1-based): chr2:43,905,767, T>C on the plus strand (A>G on the coding strand, the complement: LRPPRC is on the minus strand). VCF-style: chr2-43905767-T-C. GRCh37 (hg19) VCF-style: chr2-44132906-T-C.
Other names: short protein forms I1097V.
Identifiers: ClinVar variation 3898843 (VCV003898843.1).

ClinVar aggregate classification (germline): Uncertain significance (1 of 4 stars; one submission).

gnomAD v4.1: 3 of 1,610,958 alleles (0.00019%); highest among the groups gnomAD compares: South Asian, 0.0011%; no homozygotes.

Submission:

GeneDx
Classification: Uncertain significance. Last evaluated: 2024-11-11. Review status: criteria provided, single submitter. Criteria: GeneDx Variant Classification Process June 2021. Collection method: clinical testing. Allele origin: germline. Affected: yes.
Comment: Not observed at significant frequency in large population cohorts (gnomAD); In silico analysis indicates that this missense variant does not alter protein structure/function; Has not been previously published as pathogenic or benign to our knowledge